The following is an entry in ClinVar:

ClinVar aggregate classification (germline): Uncertain significance (1 of 4 stars; one submission).

Conditions:
Menkes kinky-hair syndrome (MNK). Also called: Copper transport disease; Menkes Disease; Classic Menkes Disease. Identifiers: Orphanet 565, MedGen C0022716, MONDO:0010651, OMIM 309400.
Cutis laxa, X-linked (OHS). Also called: Occipital horn syndrome; EDS IX. Identifiers: Orphanet 198, MedGen C0268353, MONDO:0010572, OMIM 304150.
X-linked distal spinal muscular atrophy type 3. Also called: ATP7A-Related Distal Motor Neuropathy; SPINAL MUSCULAR ATROPHY, DISTAL, X-LINKED RECESSIVE; NEURONOPATHY, DISTAL HEREDITARY MOTOR, X-LINKED; NEUROPATHY, DISTAL HEREDITARY MOTOR, X-LINKED. Identifiers: Orphanet 139557, MedGen C1845359, MONDO:0010338, OMIM 300489.

Submission:

Labcorp Genetics (formerly Invitae), Labcorp
Classification: Uncertain significance for X-linked distal spinal muscular atrophy type 3; Cutis laxa, X-linked; Menkes kinky-hair syndrome. Last evaluated: 2023-01-24. Review status: criteria provided, single submitter. Criteria: Invitae Variant Classification Sherloc (09022015). Collection method: clinical testing. Allele origin: germline.
Comment: In summary, the available evidence is currently insufficient to determine the role of this variant in disease. Therefore, it has been classified as a Variant of Uncertain Significance. Advanced modeling of protein sequence and biophysical properties (such as structural, functional, and spatial information, amino acid conservation, physicochemical variation, residue mobility, and thermodynamic stability) performed at Invitae indicates that this missense variant is not expected to disrupt ATP7A protein function. ClinVar contains an entry for this variant (Variation ID: 643827). This variant has not been reported in the literature in individuals affected with ATP7A-related conditions. This variant is not present in population databases (gnomAD no frequency). This sequence change replaces arginine, which is basic and polar, with serine, which is neutral and polar, at codon 1354 of the ATP7A protein (p.Arg1354Ser).

NM_000052.7(ATP7A):c.4062G>C (p.Arg1354Ser)

Gene: ATP7A (ATPase copper transporting alpha; plus strand). Cytogenetic location: Xq21.1.
Variant type: single nucleotide variant.
Coding change: c.4062G>C on transcript NM_000052.7 (MANE Select); coding-DNA position 4062, G replaced by C.
Protein change: p.Arg1354Ser; replaces arginine 1354 with serine.
Molecular consequence: missense variant. On other transcripts: non-coding transcript variant (1).
Genome position (GRCh38, 1-based): chrX:78,043,373, G>C. VCF-style: chrX-78043373-G-C. GRCh37 (hg19) VCF-style: chrX-77298871-G-C.
Other names: c.3828G>C, p.Arg1276Ser (NM_001282224.2); short protein forms R1276S, R1354S.
Identifiers: ClinVar variation 643827 (VCV000643827.9), dbSNP rs1603391261, ClinGen allele CA413605584.